The following is an entry in ClinVar:

NM_005045.4(RELN):c.7643C>T (p.Ser2548Leu)

Gene: RELN (reelin; minus strand). Cytogenetic location: 7q22.1.
Variant type: single nucleotide variant.
Coding change: c.7643C>T on transcript NM_005045.4 (MANE Select); coding-DNA position 7643, C replaced by T.
Protein change: p.Ser2548Leu; replaces serine 2548 with leucine.
Molecular consequence: missense variant.
Genome position (GRCh38, 1-based): chr7:103,522,047, G>A on the plus strand (C>T on the coding strand, the complement: RELN is on the minus strand). VCF-style: chr7-103522047-G-A. GRCh37 (hg19) VCF-style: chr7-103162494-G-A.
Other names: c.7643C>T (NM_005045.3); c.7643C>T, p.Ser2548Leu (NM_173054.3); short protein forms S2548L.
Identifiers: ClinVar variation 2922992 (VCV002922992.5), dbSNP rs139106600, ClinGen allele CA163929517.

ClinVar aggregate classification (germline): Likely benign. Review status: criteria provided, single submitter (1 of 4 stars). 2 submissions from 2 submitters: Likely benign (1). 1 of the submissions does not count toward it. Last evaluated 2025-04-11.

Conditions:
RELN-related disorder. Also called: RELN-related condition.
Norman-Roberts syndrome (LIS2). Also called: Lissencephaly 2 (Norman-Roberts type). Identifiers: Orphanet 89844, MedGen C0796089, MONDO:0009760, OMIM 257320.
Familial temporal lobe epilepsy 7. Identifiers: Orphanet 101046, MedGen C4225327, MONDO:0014639, OMIM 616436.

Allele frequency attached by ClinVar (database versions not stated): gnomAD exomes 0.00001; gnomAD 0.00003; TOPMed 0.00003; ESP Exome Variant Server 0.00008.
gnomAD v4.1: 16 of 1,613,938 alleles (0.00099%); highest among the groups gnomAD compares: African/African-American, 0.008%; no homozygotes.

Submissions (2):

Labcorp Genetics (formerly Invitae), Labcorp
Classification: Likely benign for Familial temporal lobe epilepsy 7; Norman-Roberts syndrome. Last evaluated: 2025-04-11. Review status: criteria provided, single submitter. Criteria: Invitae Variant Classification Sherloc (09022015). Collection method: clinical testing. Allele origin: germline.

PreventionGenetics, part of Exact Sciences
Classification: Uncertain significance for RELN-related condition. Last evaluated: 2024-02-22. Review status: no assertion criteria provided. Collection method: clinical testing. Allele origin: germline. Not counted in ClinVar's aggregate classification.
Comment: The RELN c.7643C>T variant is predicted to result in the amino acid substitution p.Ser2548Leu. To our knowledge, this variant has not been reported in the literature. This variant is reported in 0.0062% of alleles in individuals of African descent in gnomAD. At this time, the clinical significance of this variant is uncertain due to the absence of conclusive functional and genetic evidence.